The following is an entry in ClinVar:

ClinVar aggregate classification (germline): Likely benign. Review status: criteria provided, multiple submitters, no conflicts (2 of 4 stars). 3 submissions from 3 submitters: Likely benign (3). Last evaluated 2026-03-01.

Allele frequency attached by ClinVar (database versions not stated): 1000 Genomes Project 0.00459; 1000 Genomes Project 30x 0.00500; gnomAD 0.00644 and 0.00668; TOPMed 0.00666; ESP Exome Variant Server 0.00807.
gnomAD v4.1: 9,786 of 1,613,512 alleles (0.61%); highest among the groups gnomAD compares: African/African-American, 0.98%; 52 homozygotes.

Submissions (3):

CeGaT Center for Human Genetics Tuebingen
Classification: Likely benign. Last evaluated: 2026-03-01. Review status: criteria provided, single submitter. Criteria: CeGaT Center For Human Genetics Tuebingen Variant Classification Criteria Version 2. Collection method: clinical testing. Allele origin: germline. Affected: yes. Observed: 2 variant alleles.
Comment: FLG: BP4, BS2

GeneDx
Classification: Likely benign. Last evaluated: 2019-02-03. Review status: criteria provided, single submitter. Criteria: GeneDx Variant Classification Process June 2021. Collection method: clinical testing. Allele origin: germline. Affected: yes.

Breakthrough Genomics
Classification: Likely benign. Review status: criteria provided, single submitter. Criteria: ACMG Guidelines, 2015. Collection method: not provided. Allele origin: germline. Inheritance: Autosomal dominant inheritance. Affected: yes.

NM_002016.2(FLG):c.2912G>A (p.Arg971His)

Genes: CCDST (cervical cancer associated DHX9 suppressive transcript; plus strand), FLG (filaggrin; minus strand). Cytogenetic location: 1q21.3.
Variant type: single nucleotide variant.
Coding change: c.2912G>A on transcript NM_002016.2 (MANE Select); coding-DNA position 2912, G replaced by A.
Protein change: p.Arg971His; replaces arginine 971 with histidine.
Molecular consequence: missense variant.
Genome position (GRCh38, 1-based): chr1:152,311,974, C>T on the plus strand (G>A on the coding strand, the complement: FLG is on the minus strand). VCF-style: chr1-152311974-C-T. GRCh37 (hg19) VCF-style: chr1-152284450-C-T.
Other names: short protein forms R971H.
Identifiers: ClinVar variation 1194972 (VCV001194972.11), dbSNP rs146104019, ClinGen allele CA1106929.
Genomic context (GRCh38, chr1:152,311,974, plus strand): 5'-TCTTCGTGATGGGACCTGGGGTGTCTGGAGCCATGTCTTGACTGCTCCTGAGCAGATCCA[C>T]GATGGTTTCTGGAAGCAGACCCAGACCACCTCTCAGAGTCTTCTGAATGTCCCTCACTGT-3'
Protein context (NP_002007.1, residues 961-981): RWSGSASRNH[Arg971His]GSAQEQSRHG